The following is an entry in ClinVar:

ClinVar aggregate classification (germline): Uncertain significance (1 of 4 stars; one submission).

Conditions:
Peroxisome biogenesis disorder 2B (PBD2B). Identifiers: Orphanet 44, MedGen C3550234, MONDO:0008736, OMIM 202370.

Submission:

Labcorp Genetics (formerly Invitae), Labcorp
Classification: Uncertain significance for Peroxisome biogenesis disorder 2B. Last evaluated: 2020-10-08. Review status: criteria provided, single submitter. Criteria: Invitae Variant Classification Sherloc (09022015). Collection method: clinical testing. Allele origin: germline.
Comment: Algorithms developed to predict the effect of missense changes on protein structure and function (SIFT, PolyPhen-2, Align-GVGD) all suggest that this variant is likely to be tolerated, but these predictions have not been confirmed by published functional studies and their clinical significance is uncertain. This sequence change replaces arginine with threonine at codon 36 of the PEX5 protein (p.Arg36Thr). The arginine residue is moderately conserved and there is a moderate physicochemical difference between arginine and threonine. This variant is not present in population databases (ExAC no frequency). This variant has not been reported in the literature in individuals with PEX5-related conditions. In summary, the available evidence is currently insufficient to determine the role of this variant in disease. Therefore, it has been classified as a Variant of Uncertain Significance.

NM_001351132.2(PEX5):c.107G>C (p.Arg36Thr)

Gene: PEX5 (peroxisomal biogenesis factor 5; plus strand). Cytogenetic location: 12p13.31.
Variant type: single nucleotide variant.
Coding change: c.107G>C on transcript NM_001351132.2 (MANE Select); coding-DNA position 107, G replaced by C.
Protein change: p.Arg36Thr; replaces arginine 36 with threonine.
Molecular consequence: missense variant.
Genome position (GRCh38, 1-based): chr12:7,190,484, G>C. VCF-style: chr12-7190484-G-C. GRCh37 (hg19) VCF-style: chr12-7343080-G-C.
Other names: c.107G>C, p.Arg36Thr (NM_001131025.2, NM_001131026.2, NM_001300789.3 and 22 more transcripts); short protein forms R36T.
Identifiers: ClinVar variation 1058712 (VCV001058712.9), dbSNP rs2135878731, ClinGen allele CA383707943.